The following is an entry in ClinVar:

ClinVar aggregate classification (germline): Uncertain significance (1 of 4 stars; one submission).

gnomAD v4.1: 4 of 1,168,102 alleles (0.00034%); highest among the groups gnomAD compares: Non-Finnish European, 0.00046%; no homozygotes.

Submission:

CeGaT Center for Human Genetics Tuebingen
Classification: Uncertain significance. Last evaluated: 2024-08-01. Review status: criteria provided, single submitter. Criteria: CeGaT Center For Human Genetics Tuebingen Variant Classification Criteria Version 2. Collection method: clinical testing. Allele origin: germline. Affected: yes. Observed: 1 variant allele.
Comment: USP27X: PP2

NM_001145073.3(USP27X):c.138A>T (p.Lys46Asn)

Gene: USP27X (ubiquitin specific peptidase 27 X-linked; plus strand). Cytogenetic location: Xp11.23.
Variant type: single nucleotide variant.
Coding change: c.138A>T on transcript NM_001145073.3 (MANE Select); coding-DNA position 138, A replaced by T.
Protein change: p.Lys46Asn; replaces lysine 46 with asparagine.
Molecular consequence: missense variant.
Genome position (GRCh38, 1-based): chrX:49,880,445, A>T. VCF-style: chrX-49880445-A-T. GRCh37 (hg19) VCF-style: chrX-49645048-A-T.
Other names: short protein forms K46N.
Identifiers: ClinVar variation 3341885 (VCV003341885.16).
Genomic context (GRCh38, chrX:49,880,445, plus strand): 5'-AGCCTCCACCTCAACAGAGGTTTCTCACCAGCAGTGTTCAGTGCCAGGCCTTGGTGAGAA[A>T]TTCCCAACCTGGGAAACAACCAAACCAGAATTAGAACTGCTGGGGCACAACCCGAGGAGA-3'
Protein context (NP_001138545.1, residues 36-56): QQCSVPGLGE[Lys46Asn]FPTWETTKPE